The following is an entry in ClinVar:

ClinVar aggregate classification (germline): Uncertain significance (1 of 4 stars; one submission).

Conditions:
Idiopathic Pulmonary Fibrosis. Also called: Idiopathic fibrosing alveolitis, chronic form; idiopathic fibrosing alveolitis. Identifiers: Orphanet 2032, MedGen C1800706, MeSH D054990, MONDO:0800504.
Dyskeratosis congenita, autosomal dominant 2. Identifiers: MedGen C3151443, MONDO:0013521, OMIM 613989.

Submission:

Labcorp Genetics (formerly Invitae), Labcorp
Classification: Uncertain significance for Dyskeratosis congenita, autosomal dominant 2; Idiopathic Pulmonary Fibrosis. Last evaluated: 2021-11-17. Review status: criteria provided, single submitter. Criteria: Invitae Variant Classification Sherloc (09022015). Collection method: clinical testing. Allele origin: germline.
Comment: This variant has not been reported in the literature in individuals affected with TERT-related conditions. This variant is not present in population databases (gnomAD no frequency). This sequence change replaces arginine, which is basic and polar, with proline, which is neutral and non-polar, at codon 3 of the TERT protein (p.Arg3Pro). Advanced modeling of protein sequence and biophysical properties (such as structural, functional, and spatial information, amino acid conservation, physicochemical variation, residue mobility, and thermodynamic stability) performed at Invitae indicates that this missense variant is expected to disrupt TERT protein function. In summary, the available evidence is currently insufficient to determine the role of this variant in disease. Therefore, it has been classified as a Variant of Uncertain Significance.

NM_198253.3(TERT):c.8G>C (p.Arg3Pro)

Genes: TERT (telomerase reverse transcriptase; minus strand), LOC110806263 (TERT 5' regulatory region; plus strand). Cytogenetic location: 5p15.33.
Variant type: single nucleotide variant.
Coding change: c.8G>C on transcript NM_198253.3 (MANE Select); coding-DNA position 8, G replaced by C.
Protein change: p.Arg3Pro; replaces arginine 3 with proline.
Molecular consequence: missense variant. On other transcripts: non-coding transcript variant (2).
Genome position (GRCh38, 1-based): chr5:1,294,982, C>G on the plus strand (G>C on the coding strand, the complement: TERT is on the minus strand). VCF-style: chr5-1294982-C-G. GRCh37 (hg19) VCF-style: chr5-1295097-C-G.
Other names: c.8G>C, p.Arg3Pro (NM_001193376.3); short protein forms R3P.
Identifiers: ClinVar variation 1450970 (VCV001450970.6), dbSNP rs2126693146, ClinGen allele CA359060072.